The following is an entry in ClinVar:

NM_198253.3(TERT):c.358C>T (p.Arg120Cys)

Gene: TERT (telomerase reverse transcriptase; minus strand). Cytogenetic location: 5p15.33.
Variant type: single nucleotide variant.
Coding change: c.358C>T on transcript NM_198253.3 (MANE Select); coding-DNA position 358, C replaced by T.
Protein change: p.Arg120Cys; replaces arginine 120 with cysteine.
Molecular consequence: missense variant. On other transcripts: non-coding transcript variant (2).
Genome position (GRCh38, 1-based): chr5:1,294,528, G>A on the plus strand (C>T on the coding strand, the complement: TERT is on the minus strand). VCF-style: chr5-1294528-G-A. GRCh37 (hg19) VCF-style: chr5-1294643-G-A.
Other names: c.358C>T, p.Arg120Cys (NM_001193376.3); short protein forms R120C.
Identifiers: ClinVar variation 999158 (VCV000999158.9), dbSNP rs1436692848, ClinGen allele CA359058196.

ClinVar aggregate classification (germline): Uncertain significance (1 of 4 stars; one submission).

Conditions:
Dyskeratosis congenita, autosomal dominant 2. Identifiers: MedGen C3151443, MONDO:0013521, OMIM 613989.
Idiopathic Pulmonary Fibrosis. Also called: Idiopathic fibrosing alveolitis, chronic form; idiopathic fibrosing alveolitis. Identifiers: Orphanet 2032, MedGen C1800706, MeSH D054990, MONDO:0800504.

Allele frequency attached by ClinVar (database versions not stated): TOPMed below 0.00001; gnomAD exomes below 0.00001; gnomAD 0.00001.
gnomAD v4.1: 3 of 1,576,254 alleles (0.00019%); highest among the groups gnomAD compares: Non-Finnish European, 0.00026%; no homozygotes.

Submission:

Labcorp Genetics (formerly Invitae), Labcorp
Classification: Uncertain significance for Dyskeratosis congenita, autosomal dominant 2; Idiopathic Pulmonary Fibrosis. Last evaluated: 2025-04-10. Review status: criteria provided, single submitter. Criteria: Invitae Variant Classification Sherloc (09022015). Collection method: clinical testing. Allele origin: germline.
Comment: This sequence change replaces arginine, which is basic and polar, with cysteine, which is neutral and slightly polar, at codon 120 of the TERT protein (p.Arg120Cys). This variant is not present in population databases (gnomAD no frequency). This variant has not been reported in the literature in individuals affected with TERT-related conditions. ClinVar contains an entry for this variant (Variation ID: 999158). Invitae Evidence Modeling of protein sequence and biophysical properties (such as structural, functional, and spatial information, amino acid conservation, physicochemical variation, residue mobility, and thermodynamic stability) indicates that this missense variant is not expected to disrupt TERT protein function with a negative predictive value of 95%. In summary, the available evidence is currently insufficient to determine the role of this variant in disease. Therefore, it has been classified as a Variant of Uncertain Significance.